The following is an entry in ClinVar:

ClinVar aggregate classification (germline): Uncertain significance. Review status: criteria provided, multiple submitters, no conflicts (2 of 4 stars). 4 submissions from 4 submitters: Uncertain significance (4). Last evaluated 2025-09-11.

Conditions:
Familial adenomatous polyposis 2. Also called: COLORECTAL ADENOMATOUS POLYPOSIS, AUTOSOMAL RECESSIVE; ADENOMAS, MULTIPLE COLORECTAL, AUTOSOMAL RECESSIVE; MUTYH-associated polyposis; MUTYH-related attenuated familial adenomatous polyposis; MUTYH Polyposis; Adenomas, multiple colorectal. Identifiers: Orphanet 220460, Orphanet 247798, MedGen C3272841, MONDO:0012041, OMIM 608456.
Hereditary cancer-predisposing syndrome. Also called: Neoplastic Syndromes, Hereditary; Hereditary Cancer Syndrome; Tumor predisposition; Hereditary neoplastic syndrome. Identifiers: Orphanet 140162, MedGen C0027672, MeSH D009386, MONDO:0015356.

Submissions (4):

Labcorp Genetics (formerly Invitae), Labcorp
Classification: Uncertain significance for Familial adenomatous polyposis 2. Last evaluated: 2025-09-11. Review status: criteria provided, single submitter. Criteria: Invitae Variant Classification Sherloc (09022015). Collection method: clinical testing. Allele origin: germline.
Comment: This sequence change replaces lysine, which is basic and polar, with glutamic acid, which is acidic and polar, at codon 192 of the MUTYH protein (p.Lys192Glu). This variant is not present in population databases (gnomAD no frequency). This variant has not been reported in the literature in individuals affected with MUTYH-related conditions. ClinVar contains an entry for this variant (Variation ID: 631380). An algorithm developed to predict the effect of missense changes on protein structure and function (PolyPhen-2) suggests that this variant is likely to be disruptive. In summary, the available evidence is currently insufficient to determine the role of this variant in disease. Therefore, it has been classified as a Variant of Uncertain Significance.

GeneDx
Classification: Uncertain significance. Last evaluated: 2019-11-08. Review status: criteria provided, single submitter. Criteria: GeneDx Variant Classification Process June 2021. Collection method: clinical testing. Allele origin: germline. Affected: yes.
Comment: Not observed in large population cohorts (Lek 2016); In silico analysis, which includes protein predictors and evolutionary conservation, supports a deleterious effect; Has not been previously published as pathogenic or benign to our knowledge

Color Diagnostics, LLC DBA Color Health
Classification: Uncertain significance for Hereditary cancer-predisposing syndrome. Last evaluated: 2019-06-29. Review status: criteria provided, single submitter. Criteria: ACMG Guidelines, 2015. Collection method: clinical testing. Allele origin: germline.

Ambry Genetics
Classification: Uncertain significance for Hereditary cancer-predisposing syndrome. Last evaluated: 2015-10-19. Review status: criteria provided, single submitter. Criteria: Ambry Variant Classification Scheme 2023. Collection method: clinical testing. Allele origin: germline.
Comment: The p.K192E variant (also known as c.574A>G), located in coding exon 7 of the MUTYH gene, results from an A to G substitution at nucleotide position 574. The lysine at codon 192 is replaced by glutamic acid, an amino acid with similar properties. This variant was not reported in population based cohorts in the following databases: Database of Single Nucleotide Polymorphisms (dbSNP), NHLBI Exome Sequencing Project (ESP), and 1000 Genomes Project. In the ESP, this variant was not observed in 6503 samples (13006 alleles) with coverage at this position. To date, this alteration has been detected with an allele frequency of approximately 0.001% (greater than 75000 alleles tested) in our clinical cohort. This amino acid position is highly conserved in available vertebrate species. In addition, the in silico prediction for this alteration is inconclusive. Since supporting evidence is limited at this time, the clinical significance of p.K192E remains unclear.

NM_001048174.2(MUTYH):c.490A>G (p.Lys164Glu)

Gene: MUTYH (mutY DNA glycosylase; minus strand). Cytogenetic location: 1p34.1.
Variant type: single nucleotide variant.
Coding change: c.490A>G on transcript NM_001048174.2 (MANE Select); coding-DNA position 490, A replaced by G.
Protein change: p.Lys164Glu; replaces lysine 164 with glutamic acid.
Molecular consequence: missense variant. On other transcripts: non-coding transcript variant (2).
Genome position (GRCh38, 1-based): chr1:45,332,765, T>C on the plus strand (A>G on the coding strand, the complement: MUTYH is on the minus strand). VCF-style: chr1-45332765-T-C. GRCh37 (hg19) VCF-style: chr1-45798437-T-C.
Other names: c.490A>G, p.Lys164Glu (NM_001048171.2, NM_001048173.2, NM_001293195.2); c.493A>G, p.Lys165Glu (NM_001048172.2); c.574A>G, p.Lys192Glu (NM_001128425.2); c.535A>G, p.Lys179Glu (NM_001293190.2); c.523A>G, p.Lys175Glu (NM_001293191.2); c.214A>G, p.Lys72Glu (NM_001293192.2, NM_001293196.2); c.145A>G, p.Lys49Glu (NM_001350650.2, NM_001350651.2); c.565A>G, p.Lys189Glu (NM_012222.3); short protein forms K192E, K175E, K179E, K189E, K164E, K165E, K49E, K72E.
Identifiers: ClinVar variation 631380 (VCV000631380.16), dbSNP rs1557478342, ClinGen allele CA340135528.